The following is an entry in ClinVar:

ClinVar aggregate classification (germline): Uncertain significance. Review status: criteria provided, multiple submitters, no conflicts (2 of 4 stars). 2 submissions from 2 submitters: Uncertain significance (2). Last evaluated 2022-10-21.

Allele frequency attached by ClinVar (database versions not stated): gnomAD exomes below 0.00001; TOPMed below 0.00001; ExAC 0.00001.
gnomAD v4.1: 2 of 1,614,188 alleles (0.00012%); highest among the groups gnomAD compares: Non-Finnish European, 0.00017%; no homozygotes.

Submissions (2):

GeneDx
Classification: Uncertain significance. Last evaluated: 2022-10-21. Review status: criteria provided, single submitter. Criteria: GeneDx Variant Classification Process June 2021. Collection method: clinical testing. Allele origin: germline. Affected: yes.
Comment: Not observed at significant frequency in large population cohorts (gnomAD); Missense variants in this gene are often considered pathogenic (HGMD); In silico analysis supports that this missense variant has a deleterious effect on protein structure/function; Has not been previously published as pathogenic or benign to our knowledge

Blueprint Genetics
Classification: Uncertain significance. Last evaluated: 2020-01-24. Review status: criteria provided, single submitter. Criteria: ACMG Guidelines, 2015. Collection method: clinical testing. Allele origin: germline.

NM_006086.4(TUBB3):c.557C>T (p.Thr186Met)

Gene: TUBB3 (tubulin beta 3 class III; plus strand). Cytogenetic location: 16q24.3.
Variant type: single nucleotide variant.
Coding change: c.557C>T on transcript NM_006086.4 (MANE Select); coding-DNA position 557, C replaced by T.
Protein change: p.Thr186Met; replaces threonine 186 with methionine.
Molecular consequence: missense variant.
Genome position (GRCh38, 1-based): chr16:89,935,008, C>T. VCF-style: chr16-89935008-C-T. GRCh37 (hg19) VCF-style: chr16-90001416-C-T.
Other names: c.341C>T, p.Thr114Met (NM_001197181.2); short protein forms T114M, T186M.
Identifiers: ClinVar variation 2499914 (VCV002499914.2), dbSNP rs770484819, ClinGen allele CA8256127.
Genomic context (GRCh38, chr16:89,935,008, plus strand): 5'-CCTTCAGCGTCGTGCCCTCACCCAAGGTGTCAGACACGGTGGTGGAGCCCTACAACGCCA[C>T]GCTGTCCATCCACCAGCTGGTGGAGAACACGGATGAGACCTACTGCATCGACAACGAGGC-3'
Protein context (NP_006077.2, residues 176-196): SDTVVEPYNA[Thr186Met]LSIHQLVENT